The following is an entry in ClinVar:

NM_000512.5(GALNS):c.950G>A (p.Gly317Glu)

Gene: GALNS (galactosamine (N-acetyl)-6-sulfatase; minus strand). Cytogenetic location: 16q24.3.
Variant type: single nucleotide variant.
Coding change: c.950G>A on transcript NM_000512.5 (MANE Select); coding-DNA position 950, G replaced by A.
Protein change: p.Gly317Glu; replaces glycine 317 with glutamic acid.
Molecular consequence: missense variant.
Genome position (GRCh38, 1-based): chr16:88,832,050, C>T on the plus strand (G>A on the coding strand, the complement: GALNS is on the minus strand). VCF-style: chr16-88832050-C-T. GRCh37 (hg19) VCF-style: chr16-88898458-C-T.
Other names: c.395G>A, p.Gly132Glu (NM_001323543.2); c.968G>A, p.Gly323Glu (NM_001323544.2); short protein forms G132E, G317E, G323E.
Identifiers: ClinVar variation 1048311 (VCV001048311.4), dbSNP rs2142999169, ClinGen allele CA397101212.

ClinVar aggregate classification (germline): Conflicting classifications of pathogenicity. Review status: criteria provided, conflicting classifications (1 of 4 stars). 2 submissions from 2 submitters: Likely pathogenic (1); Uncertain significance (1). Last evaluated 2024-10-23.

Conditions:
Mucopolysaccharidosis, MPS-IV-A (MPS4A). Also called: Mucopolysaccharidosis type IV A; Mucopolysaccharidosis Type IVA; Morquio syndrome A, mild; MORQUIO SYNDROME A; MPS IVA; mucopolysaccharidosis type 4A. Identifiers: Orphanet 309297, Orphanet 582, MedGen C0086651, MONDO:0009659, OMIM 253000.
Morquio syndrome. Also called: Mucopolysaccharidosis, Type IV; MPS IV; Mucopolysaccharidosis type 4; Eccentrochondrodysplasia. Identifiers: Orphanet 582, MedGen C0026707, MONDO:0018938.

Submissions (2):

Women's Health and Genetics/Laboratory Corporation of America, LabCorp
Classification: Likely pathogenic for Morquio syndrome. Last evaluated: 2024-10-23. Review status: criteria provided, single submitter. Criteria: LabCorp Variant Classification Summary - May 2015. Collection method: clinical testing. Allele origin: germline.
Comment: Variant summary: GALNS c.950G>A (p.Gly317Glu) results in a non-conservative amino acid change located in the Sulfatase, N-terminal domain of the encoded protein sequence. Five of five in-silico tools predict a damaging effect of the variant on protein function. The variant was absent in 250648 control chromosomes. c.950G>A has been reported in the literature in individuals affected with Mucopolysaccharidosis Type IVA (Morquio Syndrome A) (examples: Caciotti_2015 and Leong_2019). These data indicate that the variant may be associated with disease. To our knowledge, no experimental evidence demonstrating an impact on protein function has been reported. Different variant affecting this residue has been classified Pathogenic in ClinVar (c.949G>C (p.Gly317Arg) Variation ID: 1048310). ClinVar contains an entry for this variant (Variation ID: 1048311). Based on the evidence outlined above, the variant was classified as likely pathogenic.

Laboratory of Diagnosis and Therapy of Lysosomal Disorders, University of Padova
Classification: Uncertain significance for Mucopolysaccharidosis, MPS-IV-A. Last evaluated: 2021-02-01. Review status: criteria provided, single submitter. Criteria: ACMG Guidelines, 2015. Collection method: curation. Allele origin: germline. Affected: yes.
Comment: Absent from gnomAD v2.1.1 (PM2_moderate); multiple lines of computational evidence support a deleterious effect on the gene (PP3_supporting)

Literature cited by the submitters: PubMed 25545067 (cited by Women's Health and Genetics/Laboratory Corporation of America, LabCorp and Laboratory of Diagnosis and Therapy of Lysosomal Disorders, University of Padova); PubMed 31200731 (cited by Women's Health and Genetics/Laboratory Corporation of America, LabCorp and Laboratory of Diagnosis and Therapy of Lysosomal Disorders, University of Padova); PubMed 34387910 (cited by Laboratory of Diagnosis and Therapy of Lysosomal Disorders, University of Padova).